The following is an entry in ClinVar:

ClinVar aggregate classification (germline): Likely pathogenic (1 of 4 stars; one submission).

Conditions:
Tuberous sclerosis 1 (TSC1). Identifiers: Orphanet 805, MedGen C1854465, MONDO:0008612, OMIM 191100.

Submission:

Molecular Genetics Department, Kulakov National Medical Research Center for Obstetrics, Gynecology and Perinatology
Classification: Likely pathogenic for Tuberous sclerosis 1. Review status: criteria provided, single submitter. Criteria: ACMG Guidelines, 2015. Collection method: clinical testing. Allele origin: germline. Affected: yes.
Comment: A previously undescribed nucleotide variant creates a frameshift p.Glu757AspfsTer13 in the TSC1 gene. Loss-of-function variants are reported in patients with tuberous sclerosis-1, 191100. The variant is not present in population database (gnomAD no frequency). In summary, the currently available evidence indicates that the variant is pathogenic, but additional data are needed to prove that conclusively. Therefore, this variant has been classified as likely pathogenic.

NM_000368.5(TSC1):c.2271_2280del (p.Glu757fs)

Gene: TSC1 (TSC complex subunit 1; minus strand). Cytogenetic location: 9q34.13.
Variant type: Deletion.
Coding change: c.2271_2280del on transcript NM_000368.5 (MANE Select); coding-DNA positions 2271 to 2280, 10 bases deleted (ACAAGCTAGA; older notation c.2271_2280delACAAGCTAGA).
Protein change: p.Glu757fs; shifts the reading frame from glutamic acid 757.
Molecular consequence: frameshift variant. On other transcripts: non-coding transcript variant (5).
Genome position (GRCh38, 1-based): chr9:132,902,716-132,902,725, TCTAGCTTGT deleted on the plus strand (ACAAGCTAGA on the coding strand, the reverse complement: TSC1 is on the minus strand); deleting any 10 consecutive bases within chr9:132,902,716-132,902,728 gives the same sequence; the c. name uses the placement nearest the transcript's 3' end. VCF-style (leftmost placement, unchanged base first): chr9-132902715-ATCTAGCTTGT-A. GRCh37 (hg19) VCF-style: chr9-135778102-ATCTAGCTTGT-A.
Other names: c.2268_2277del, p.Glu756fs (NM_001162426.2, NM_001406608.1, NM_001406609.1 and 4 more transcripts); c.2118_2127del, p.Glu706fs (NM_001162427.2, NM_001406610.1); c.1908_1917del, p.Glu636fs (NM_001362177.2, NM_001406614.1, NM_001406615.1 and 5 more transcripts); c.2256_2265del, p.Glu752fs (NM_001406601.1, NM_001406602.1); c.2253_2262del, p.Glu751fs (NM_001406603.1, NM_001406604.1); c.2271_2280del, p.Glu757fs (NM_001406605.1, NM_001406606.1, NM_001406607.1 and 5 more transcripts); c.2115_2124del, p.Glu705fs (NM_001406611.1, NM_001406612.1, NM_001406613.1); c.1905_1914del, p.Glu635fs (NM_001406620.1, NM_001406621.1, NM_001406622.1 and 2 more transcripts); and 3 more; short protein forms E406fs, E439fs, E440fs, E635fs, E636fs, E705fs, E706fs, E751fs.
Identifiers: ClinVar variation 3062292 (VCV003062292.1), dbSNP rs2538619323, ClinGen allele CA2740090858.